The following is an entry in ClinVar:

ClinVar aggregate classification (germline): Uncertain significance (1 of 4 stars; one submission).

Conditions:
Glycogen storage disease due to muscle and heart glycogen synthase deficiency. Also called: GSD 0b; MUSCLE GLYCOGEN SYNTHASE DEFICIENCY. Identifiers: Orphanet 137625, MedGen C1969054, MONDO:0012693, OMIM 611556.

Allele frequency attached by ClinVar (database versions not stated): gnomAD 0.00001.
gnomAD v4.1: 1 of 1,603,244 alleles (0.000062%); highest among the groups gnomAD compares: African/African-American, 0.0013%; no homozygotes.

Submission:

Labcorp Genetics (formerly Invitae), Labcorp
Classification: Uncertain significance for Glycogen storage disease due to muscle and heart glycogen synthase deficiency. Last evaluated: 2022-02-04. Review status: criteria provided, single submitter. Criteria: Invitae Variant Classification Sherloc (09022015). Collection method: clinical testing. Allele origin: germline.
Comment: This sequence change replaces threonine, which is neutral and polar, with isoleucine, which is neutral and non-polar, at codon 515 of the GYS1 protein (p.Thr515Ile). In summary, the available evidence is currently insufficient to determine the role of this variant in disease. Therefore, it has been classified as a Variant of Uncertain Significance. Algorithms developed to predict the effect of missense changes on protein structure and function (SIFT, PolyPhen-2, Align-GVGD) all suggest that this variant is likely to be disruptive. This variant has not been reported in the literature in individuals affected with GYS1-related conditions. This variant is not present in population databases (gnomAD no frequency).

NM_002103.5(GYS1):c.1544C>T (p.Thr515Ile)

Gene: GYS1 (glycogen synthase 1; minus strand). Cytogenetic location: 19q13.33.
Variant type: single nucleotide variant.
Coding change: c.1544C>T on transcript NM_002103.5 (MANE Select); coding-DNA position 1544, C replaced by T.
Protein change: p.Thr515Ile; replaces threonine 515 with isoleucine.
Molecular consequence: missense variant. On other transcripts: non-coding transcript variant (1).
Genome position (GRCh38, 1-based): chr19:48,974,218, G>A on the plus strand (C>T on the coding strand, the complement: GYS1 is on the minus strand). VCF-style: chr19-48974218-G-A. GRCh37 (hg19) VCF-style: chr19-49477475-G-A.
Other names: c.1352C>T, p.Thr451Ile (NM_001161587.2); short protein forms T451I, T515I.
Identifiers: ClinVar variation 1502134 (VCV001502134.6), dbSNP rs1395831465, ClinGen allele CA406761263.